The following is an entry in ClinVar:

NM_006393.3(NEBL):c.2492T>C (p.Met831Thr)

Gene: NEBL (nebulette; minus strand). Cytogenetic location: 10p12.31.
Variant type: single nucleotide variant.
Coding change: c.2492T>C on transcript NM_006393.3 (MANE Select); coding-DNA position 2492, T replaced by C.
Protein change: p.Met831Thr; replaces methionine 831 with threonine.
Molecular consequence: missense variant.
Genome position (GRCh38, 1-based): chr10:20,812,795, A>G on the plus strand (T>C on the coding strand, the complement: NEBL is on the minus strand). VCF-style: chr10-20812795-A-G. GRCh37 (hg19) VCF-style: chr10-21101724-A-G.
Other names: c.395T>C, p.Met132Thr (NM_001377326.1, NM_001377327.1, NM_001377328.1); c.503T>C, p.Met168Thr (NM_213569.2, NM_001173484.2, NM_001377322.1); c.455T>C, p.Met152Thr (NM_001377323.1); c.446T>C, p.Met149Thr (NM_001377324.1); c.437T>C, p.Met146Thr (NM_001377325.1); short protein forms M132T, M149T, M831T, M168T, M146T, M152T.
Identifiers: ClinVar variation 3878633 (VCV003878633.2).

ClinVar aggregate classification (germline): Uncertain significance (1 of 4 stars; one submission).

gnomAD v4.1: 1 of 1,613,786 alleles (0.000062%); highest among the groups gnomAD compares: African/African-American, 0.0013%; no homozygotes.

Submission:

Ambry Genetics
Classification: Uncertain significance. Last evaluated: 2026-07-17. Review status: criteria provided, single submitter. Criteria: Ambry Variant Classification Scheme 2023. Collection method: clinical testing. Allele origin: germline.
Comment: The p.M831T variant (also known as c.2492T>C), located in coding exon 24 of the NEBL gene, results from a T to C substitution at nucleotide position 2492. The methionine at codon 831 is replaced by threonine, an amino acid with similar properties. This amino acid position is conserved. In addition, the in silico prediction for this alteration is inconclusive. Based on the available evidence, the clinical significance of this variant remains unclear.